The following is an entry in ClinVar:

NM_021110.4(COL14A1):c.3630C>T (p.Cys1210=)

Gene: COL14A1 (collagen type XIV alpha 1 chain; plus strand). Cytogenetic location: 8q24.12.
Variant type: single nucleotide variant.
Coding change: c.3630C>T on transcript NM_021110.4 (MANE Select); coding-DNA position 3630, C replaced by T.
Protein change: p.Cys1210=; no amino-acid change (cysteine 1210 retained).
Molecular consequence: synonymous variant.
Genome position (GRCh38, 1-based): chr8:120,280,083, C>T. VCF-style: chr8-120280083-C-T. GRCh37 (hg19) VCF-style: chr8-121292322-C-T.
Other names: c.3630C>T, p.Cys1210= (NM_001384947.1, NM_001413490.1, NM_001413491.1 and 3 more transcripts); c.3543C>T, p.Cys1181= (NM_001413495.1, NM_001413498.1); c.1278C>T, p.Cys426= (NM_001413499.1, NM_001413500.1).
Identifiers: ClinVar variation 3234214 (VCV003234214.20), dbSNP rs146109463, ClinGen allele CA4859573.

ClinVar aggregate classification (germline): Likely benign (1 of 4 stars; one submission).

Allele frequency attached by ClinVar (database versions not stated): ESP Exome Variant Server 0.00238; ExAC 0.00301; gnomAD exomes 0.00356; gnomAD 0.00388; 1000 Genomes Project 30x 0.00156; 1000 Genomes Project 0.00180; TOPMed 0.00213.
gnomAD v4.1: 5,743 of 1,613,592 alleles (0.36%); highest among the groups gnomAD compares: Non-Finnish European, 0.36%; 22 homozygotes.

Submission:

CeGaT Center for Human Genetics Tuebingen
Classification: Likely benign. Last evaluated: 2024-03-01. Review status: criteria provided, single submitter. Criteria: CeGaT Center For Human Genetics Tuebingen Variant Classification Criteria Version 2. Collection method: clinical testing. Allele origin: germline. Affected: yes. Observed: 1 variant allele.
Comment: COL14A1: BP4, BP7, BS2